The following is an entry in ClinVar:

NM_005862.3(STAG1):c.3760G>T (p.Gly1254Ter)

Gene: STAG1 (STAG1 cohesin complex component; minus strand). Cytogenetic location: 3q22.3.
Variant type: single nucleotide variant.
Coding change: c.3760G>T on transcript NM_005862.3 (MANE Select); coding-DNA position 3760, G replaced by T.
Protein change: p.Gly1254Ter; replaces glycine 1254 with a stop codon.
Molecular consequence: nonsense.
Genome position (GRCh38, 1-based): chr3:136,338,271, C>A on the plus strand (G>T on the coding strand, the complement: STAG1 is on the minus strand). VCF-style: chr3-136338271-C-A. GRCh37 (hg19) VCF-style: chr3-136057113-C-A.
Other names: short protein forms G1254*.
Identifiers: ClinVar variation 3370934 (VCV003370934.1).

ClinVar aggregate classification (germline): Uncertain significance (1 of 4 stars; one submission).

Submission:

GeneDx
Classification: Uncertain significance. Last evaluated: 2024-03-18. Review status: criteria provided, single submitter. Criteria: GeneDx Variant Classification Process June 2021. Collection method: clinical testing. Allele origin: germline. Affected: yes.
Comment: Not observed at significant frequency in large population cohorts (gnomAD); Nonsense variant predicted to result in protein truncation as the last 5 amino acids are lost, although loss-of-function variants have not been reported downstream of this position in the protein; Has not been previously published as pathogenic or benign to our knowledge